The following is an entry in ClinVar:

ClinVar aggregate classification (germline): Uncertain significance. Review status: criteria provided, multiple submitters, no conflicts (2 of 4 stars). 2 submissions from 2 submitters: Uncertain significance (2). Last evaluated 2025-04-22.

Conditions:
Spondyloenchondrodysplasia with immune dysregulation (SPENCDI). Also called: SPONDYLOENCHONDRODYSPLASIA WITH OR WITHOUT IMMUNE DYSREGULATION; COMBINED IMMUNODEFICIENCY WITH AUTOIMMUNITY AND SPONDYLOMETAPHYSEAL DYSPLASIA; ROIFMAN IMMUNOSKELETAL SYNDROME. Identifiers: Orphanet 1855, MedGen C1842763, MONDO:0011939, OMIM 607944.
ACP5-related disorder. Also called: ACP5-related condition.

Allele frequency attached by ClinVar (database versions not stated): ExAC 0.00005; ESP Exome Variant Server 0.00008; 1000 Genomes Project 30x 0.00016; 1000 Genomes Project 0.00020; gnomAD 0.00003; TOPMed 0.00003.
gnomAD v4.1: 66 of 1,614,180 alleles (0.0041%); highest among the groups gnomAD compares: Admixed American, 0.018%; 1 homozygote.

Submissions (2):

PreventionGenetics, part of Exact Sciences
Classification: Uncertain significance for ACP5-related condition. Last evaluated: 2025-04-22. Review status: criteria provided, single submitter. Criteria: ACMG Guidelines, 2015. Collection method: clinical testing. Allele origin: germline.
Comment: The ACP5 c.79C>T variant is predicted to result in the amino acid substitution p.Arg27Cys. To our knowledge, this variant has not been reported in the literature. This variant is reported in 0.0085% of alleles in individuals of Latino descent in gnomAD. At this time, the clinical significance of this variant is uncertain due to the absence of conclusive functional and genetic evidence.

Labcorp Genetics (formerly Invitae), Labcorp
Classification: Uncertain significance for Spondyloenchondrodysplasia with immune dysregulation. Last evaluated: 2022-10-05. Review status: criteria provided, single submitter. Criteria: Invitae Variant Classification Sherloc (09022015). Collection method: clinical testing. Allele origin: germline.
Comment: This sequence change replaces arginine, which is basic and polar, with cysteine, which is neutral and slightly polar, at codon 27 of the ACP5 protein (p.Arg27Cys). This variant is present in population databases (rs369579418, gnomAD 0.009%). This variant has not been reported in the literature in individuals affected with ACP5-related conditions. ClinVar contains an entry for this variant (Variation ID: 661218). Advanced modeling of protein sequence and biophysical properties (such as structural, functional, and spatial information, amino acid conservation, physicochemical variation, residue mobility, and thermodynamic stability) performed at Invitae indicates that this missense variant is not expected to disrupt ACP5 protein function. In summary, the available evidence is currently insufficient to determine the role of this variant in disease. Therefore, it has been classified as a Variant of Uncertain Significance.

NM_001611.5(ACP5):c.79C>T (p.Arg27Cys)

Gene: ACP5 (acid phosphatase 5, tartrate resistant; minus strand). Cytogenetic location: 19p13.2.
Variant type: single nucleotide variant.
Coding change: c.79C>T on transcript NM_001611.5 (MANE Select); coding-DNA position 79, C replaced by T.
Protein change: p.Arg27Cys; replaces arginine 27 with cysteine.
Molecular consequence: missense variant.
Genome position (GRCh38, 1-based): chr19:11,577,239, G>A on the plus strand (C>T on the coding strand, the complement: ACP5 is on the minus strand). VCF-style: chr19-11577239-G-A. GRCh37 (hg19) VCF-style: chr19-11688054-G-A.
Other names: c.79C>T, p.Arg27Cys (LRG_1218t1, NM_001111034.3, NM_001111035.3 and 2 more transcripts); short protein forms R27C.
Identifiers: ClinVar variation 661218 (VCV000661218.7), dbSNP rs369579418, ClinGen allele CA9215529.